The following is an entry in ClinVar:

ClinVar aggregate classification (germline): Uncertain significance. Review status: criteria provided, multiple submitters, no conflicts (2 of 4 stars). 2 submissions from 2 submitters: Uncertain significance (2). Last evaluated 2021-12-02.

Conditions:
Walker-Warburg congenital muscular dystrophy. Also called: Muscular dystrophy-dystroglycanopathy, type A; Walker-Warburg syndrome. Identifiers: Orphanet 899, MedGen C0265221, MONDO:0000171.
Autosomal recessive limb-girdle muscular dystrophy type 2K. Also called: MUSCULAR DYSTROPHY, LIMB-GIRDLE, TYPE 2K; MUSCULAR DYSTROPHY-DYSTROGLYCANOPATHY (LIMB-GIRDLE), TYPE C, 1. Identifiers: Orphanet 86812, MedGen C1836373, MONDO:0012248, OMIM 609308.
Muscular dystrophy-dystroglycanopathy (congenital with impaired intellectual development), type B, 1. Also called: MUSCULAR DYSTROPHY, CONGENITAL, POMT1-RELATED; Muscular dystrophy-dystroglycanopathy (congenital with intellectual disability), type B1. Identifiers: MedGen C5436962, MONDO:0013159, OMIM 613155.

Allele frequency attached by ClinVar (database versions not stated): gnomAD exomes below 0.00001.
gnomAD v4.1: 3 of 1,614,212 alleles (0.00019%); highest among the groups gnomAD compares: Admixed American, 0.0017%; no homozygotes.

Submissions (2):

Labcorp Genetics (formerly Invitae), Labcorp
Classification: Uncertain significance for Muscular dystrophy-dystroglycanopathy (congenital with impaired intellectual development), type B, 1; Walker-Warburg congenital muscular dystrophy; Autosomal recessive limb-girdle muscular dystrophy type 2K. Last evaluated: 2021-12-02. Review status: criteria provided, single submitter. Criteria: Invitae Variant Classification Sherloc (09022015). Collection method: clinical testing. Allele origin: germline.
Comment: This sequence change replaces valine, which is neutral and non-polar, with methionine, which is neutral and non-polar, at codon 99 of the POMT1 protein (p.Val99Met). This variant is present in population databases (no rsID available, gnomAD 0.003%). This variant has not been reported in the literature in individuals affected with POMT1-related conditions. Algorithms developed to predict the effect of missense changes on protein structure and function are either unavailable or do not agree on the potential impact of this missense change (SIFT: "Tolerated"; PolyPhen-2: "Probably Damaging"; Align-GVGD: "Class C0"). In summary, the available evidence is currently insufficient to determine the role of this variant in disease. Therefore, it has been classified as a Variant of Uncertain Significance.

Breakthrough Genomics
Classification: Uncertain significance. Review status: criteria provided, single submitter. Criteria: ACMG Guidelines, 2015. Collection method: not provided. Allele origin: germline. Inheritance: Autosomal recessive inheritance. Affected: yes.

NM_001077365.2(POMT1):c.295G>A (p.Val99Met)

Gene: POMT1 (protein O-mannosyltransferase 1; plus strand). Cytogenetic location: 9q34.13.
Variant type: single nucleotide variant.
Coding change: c.295G>A on transcript NM_001077365.2 (MANE Select); coding-DNA position 295, G replaced by A.
Protein change: p.Val99Met; replaces valine 99 with methionine.
Molecular consequence: missense variant. On other transcripts: 5 prime UTR variant (5), non-coding transcript variant (9), intron variant (2).
Genome position (GRCh38, 1-based): chr9:131,507,382, G>A. VCF-style: chr9-131507382-G-A. GRCh37 (hg19) VCF-style: chr9-134382769-G-A.
Other names: c.133G>A, p.Val45Met (NM_001077366.2, NM_001353194.2, NM_001353197.2 and 3 more transcripts); c.295G>A, p.Val99Met (NM_001136113.2, NM_001353193.2, NM_001374690.1 and 1 more transcripts); c.-57G>A (NM_001136114.2, NM_001353195.2, NM_001353199.2 and 2 more transcripts); c.205G>A, p.Val69Met (NM_001353196.2); c.-29-1529G>A (NM_001374695.1); c.-30+929G>A (NM_001353200.2); short protein forms V69M, V45M, V99M.
Identifiers: ClinVar variation 1411684 (VCV001411684.6), dbSNP rs1449103987, ClinGen allele CA375306179.